The following is an entry in ClinVar:

ClinVar aggregate classification (germline): Benign. Review status: reviewed by expert panel (3 of 4 stars). 2 submissions from 2 submitters: Benign (1). 1 of the submissions does not count toward it. Last evaluated 2015-01-12.

Conditions:
Breast-ovarian cancer, familial, susceptibility to, 1 (BROVCA1). Also called: BRCA1 Hereditary Breast and Ovarian Cancer; OVARIAN CANCER, SUSCEPTIBILITY TO. Identifiers: Orphanet 145, MedGen C2676676, MONDO:0011450, OMIM 604370. Disease mechanism: loss of function.

Allele frequency attached by ClinVar (database versions not stated): TOPMed 0.30294; gnomAD 0.30934 and 0.31664; 1000 Genomes Project 30x 0.34963; 1000 Genomes Project 0.35503.
gnomAD v4.1: 47,831 of 151,012 alleles (32%); highest among the groups gnomAD compares: South Asian, 49%; 7,915 homozygotes.

Submissions (2):

Evidence-based Network for the Interpretation of Germline Mutant Alleles (ENIGMA)
Classification: Benign for Breast-ovarian cancer, familial 1. Last evaluated: 2015-01-12. Review status: reviewed by expert panel. Criteria: ENIGMA BRCA1/2 Classification Criteria (2015). Collection method: curation. Allele origin: germline.
Comment: Class 1 not pathogenic based on frequency >1% in an outbred sampleset. Frequency 0.3304 (Asian), 0.2175 (African), 0.3562 (European), derived from 1000 genomes (2012-04-30).

Breakthrough Genomics
Classification: Benign. Review status: criteria provided, single submitter. Criteria: ACMG Guidelines, 2015. Collection method: not provided. Allele origin: germline. Inheritance: Autosomal recessive inheritance. Affected: yes. Not counted in ClinVar's aggregate classification.

NM_007294.4(BRCA1):c.4987-511T>C

Gene: BRCA1 (BRCA1 DNA repair associated; minus strand). Cytogenetic location: 17q21.31.
Variant type: single nucleotide variant.
Coding change: c.4987-511T>C on transcript NM_007294.4 (MANE Select); 511 bases into the intron before coding-DNA position 4987, T replaced by C.
Molecular consequence: intron variant.
Genome position (GRCh38, 1-based): chr17:43,068,206, A>G on the plus strand (T>C on the coding strand, the complement: BRCA1 is on the minus strand). VCF-style: chr17-43068206-A-G. GRCh37 (hg19) VCF-style: chr17-41220223-A-G.
Other names: IVS 16-511T>C; c.1555-511T>C (NM_001408426.1, NM_001408430.1, NM_001408427.1 and 4 more transcripts); c.1675-511T>C (NM_001407982.1, NM_001407980.1, NM_001407993.1 and 12 more transcripts); c.1744-511T>C (NM_001407970.1, NM_001407971.1); c.4984-511T>C (NM_001407621.1, NM_001407613.1, NM_001407618.1 and 17 more transcripts); c.4987-511T>C (NM_001407593.1, NM_001407603.1, NM_001407652.1 and 8 more transcripts); c.1534-511T>C (NM_001408458.1, NM_001408461.1, NM_001408464.1 and 7 more transcripts); c.4096-511T>C (NM_001407967.1); and 72 more.
Identifiers: ClinVar variation 209350 (VCV000209350.3), dbSNP rs8176231, ClinGen allele CA276322.